The following is an entry in ClinVar:

NM_152618.3(BBS12):c.2099del (p.Asn700fs)

Gene: BBS12 (Bardet-Biedl syndrome 12; plus strand). Cytogenetic location: 4q27.
Variant type: Deletion.
Coding change: c.2099del on transcript NM_152618.3 (MANE Select); coding-DNA position 2099, one base deleted (A; older notation c.2099delA).
Protein change: p.Asn700fs; shifts the reading frame from asparagine 700.
Molecular consequence: frameshift variant.
Genome position (GRCh38, 1-based): chr4:122,743,991, A deleted; the last of 3 consecutive A bases (chr4:122,743,989-122,743,991); deleting any one gives the same sequence. VCF-style (leftmost placement, unchanged base first): chr4-122743988-TA-T. GRCh37 (hg19) VCF-style: chr4-123665143-TA-T.
Other names: c.2099del, p.Asn700fs (NM_001178007.2); short protein forms N700fs.
Identifiers: ClinVar variation 2081712 (VCV002081712.4), dbSNP rs2485079012, ClinGen allele CA2580071577.

ClinVar aggregate classification (germline): Pathogenic (1 of 4 stars; one submission).

Conditions:
Bardet-Biedl syndrome (BBS). Identifiers: Orphanet 110, MedGen C0752166, MONDO:0015229.

Submission:

Labcorp Genetics (formerly Invitae), Labcorp
Classification: Pathogenic for Bardet-Biedl syndrome. Last evaluated: 2022-01-03. Review status: criteria provided, single submitter. Criteria: Invitae Variant Classification Sherloc (09022015). Collection method: clinical testing. Allele origin: germline.
Comment: For these reasons, this variant has been classified as Pathogenic. This variant disrupts a region of the BBS12 protein in which other variant(s) (p.Ser701*) have been determined to be pathogenic (PMID: 20648243). This suggests that this is a clinically significant region of the protein, and that variants that disrupt it are likely to be disease-causing. This variant has not been reported in the literature in individuals affected with BBS12-related conditions. This variant is not present in population databases (gnomAD no frequency). This sequence change creates a premature translational stop signal (p.Asn700Ilefs*5) in the BBS12 gene. While this is not anticipated to result in nonsense mediated decay, it is expected to disrupt the last 11 amino acid(s) of the BBS12 protein.

Literature cited by the submitters: PubMed 20648243.